The following is an entry in ClinVar:

ClinVar aggregate classification (germline): Uncertain significance. Review status: criteria provided, multiple submitters, no conflicts (2 of 4 stars). 3 submissions from 3 submitters: Uncertain significance (3). Last evaluated 2023-04-11.

Conditions:
Developmental and epileptic encephalopathy, 18 (DEE18). Also called: Early infantile epileptic encephalopathy 18. Identifiers: Orphanet 369894, MedGen C3809624, MONDO:0014201, OMIM 615476.

Allele frequency attached by ClinVar (database versions not stated): TOPMed below 0.00001.

Submissions (3):

Genome-Nilou Lab
Classification: Uncertain significance for Developmental and epileptic encephalopathy, 18. Last evaluated: 2023-04-11. Review status: criteria provided, single submitter. Criteria: ACMG Guidelines, 2015. Collection method: clinical testing. Allele origin: germline. Affected: no.

Revvity Omics, Revvity
Classification: Uncertain significance for Developmental and epileptic encephalopathy, 18. Last evaluated: 2021-06-10. Review status: criteria provided, single submitter. Criteria: ACMG Guidelines, 2015. Collection method: clinical testing. Allele origin: germline.

Baylor Genetics
Classification: Uncertain significance for Developmental and epileptic encephalopathy, 18. Last evaluated: 2019-11-01. Review status: criteria provided, single submitter. Criteria: ACMG Guidelines, 2015. Collection method: clinical testing. Allele origin: unknown. Affected: yes.
Comment: This variant was determined to be of uncertain significance according to ACMG Guidelines, 2015 [PMID:25741868].

NM_001365999.1(SZT2):c.9819C>T (p.Cys3273=)

Genes: SZT2 (SZT2 subunit of KICSTOR complex; plus strand), SZT2-AS1 (SZT2 antisense RNA 1; minus strand). Cytogenetic location: 1p34.2.
Variant type: single nucleotide variant.
Coding change: c.9819C>T on transcript NM_001365999.1 (MANE Select); coding-DNA position 9819, C replaced by T.
Protein change: p.Cys3273=; no amino-acid change (cysteine 3273 retained).
Molecular consequence: synonymous variant. On other transcripts: non-coding transcript variant (1).
Genome position (GRCh38, 1-based): chr1:43,448,334, C>T. VCF-style: chr1-43448334-C-T. GRCh37 (hg19) VCF-style: chr1-43914005-C-T.
Other names: c.9648C>T, p.Cys3216= (NM_015284.4).
Identifiers: ClinVar variation 1030485 (VCV001030485.5), dbSNP rs867941005, ClinGen allele CA21653381.